The following is an entry in ClinVar:

NM_001378030.1(CCDC78):c.1214G>C (p.Arg405Pro)

Gene: CCDC78 (coiled-coil domain containing 78; minus strand). Cytogenetic location: 16p13.3.
Variant type: single nucleotide variant.
Coding change: c.1214G>C on transcript NM_001378030.1 (MANE Select); coding-DNA position 1214, G replaced by C.
Protein change: p.Arg405Pro; replaces arginine 405 with proline.
Molecular consequence: missense variant. On other transcripts: non-coding transcript variant (5).
Genome position (GRCh38, 1-based): chr16:723,009, C>G on the plus strand (G>C on the coding strand, the complement: CCDC78 is on the minus strand). VCF-style: chr16-723009-C-G. GRCh37 (hg19) VCF-style: chr16-773009-C-G.
Other names: c.1210G>C, p.Gly404Arg (NM_001031737.3); c.1034G>C, p.Arg345Pro (NM_001378031.1); c.647G>C, p.Arg216Pro (NM_001378033.1); short protein forms G404R, R216P, R345P, R405P.
Identifiers: ClinVar variation 4986182 (VCV004986182.1).

ClinVar aggregate classification (germline): Uncertain significance (1 of 4 stars; one submission).

Conditions:
CCDC78-related disorder. Also called: CCDC78-related condition.

Submission:

PreventionGenetics, part of Exact Sciences
Classification: Uncertain significance for CCDC78-related condition. Last evaluated: 2025-07-24. Review status: criteria provided, single submitter. Criteria: ACMG Guidelines, 2015. Collection method: clinical testing. Allele origin: germline.
Comment: The CCDC78 c.1210G>C variant is predicted to result in the amino acid substitution p.Gly404Arg. To our knowledge, this variant has not been reported in the literature or in a large population database (gnomAD), indicating this variant is rare. At this time, the clinical significance of this variant is uncertain due to the absence of conclusive functional and genetic evidence.